The following is an entry in ClinVar:

NM_001261826.3(AP3D1):c.2914G>A (p.Ala972Thr)

Gene: AP3D1 (adaptor related protein complex 3 subunit delta 1; minus strand). Cytogenetic location: 19p13.3.
Variant type: single nucleotide variant.
Coding change: c.2914G>A on transcript NM_001261826.3 (MANE Select); coding-DNA position 2914, G replaced by A.
Protein change: p.Ala972Thr; replaces alanine 972 with threonine.
Molecular consequence: missense variant.
Genome position (GRCh38, 1-based): chr19:2,111,702, C>T on the plus strand (G>A on the coding strand, the complement: AP3D1 is on the minus strand). VCF-style: chr19-2111702-C-T. GRCh37 (hg19) VCF-style: chr19-2111701-C-T.
Other names: c.2878G>A, p.Ala960Thr (NM_001374799.1); c.2728G>A, p.Ala910Thr (NM_003938.8); short protein forms A960T, A910T, A972T.
Identifiers: ClinVar variation 3718259 (VCV003718259.2).
Genomic context (GRCh38, chr19:2,111,702, plus strand): 5'-CCCCGGCGTGGGGCGGGGGCGCTGAAGTACCCCTCACCGGGAGCTGCTCCTCCTCTGGCG[C>T]GCCATTCTGCACCGGCTCCCCCGCTGCCTCCTCGCTGCCTGGAGGCTGCTTCTTGGACTT-3'
Protein context (NP_001248755.1, residues 962-982): EAAGEPVQNG[Ala972Thr]PEEEQLPPES

ClinVar aggregate classification (germline): Uncertain significance (1 of 4 stars; one submission).

gnomAD v4.1: 30 of 1,597,724 alleles (0.0019%); highest among the groups gnomAD compares: African/African-American, 0.012%; no homozygotes.

Submission:

Labcorp Genetics (formerly Invitae), Labcorp
Classification: Uncertain significance. Last evaluated: 2024-04-03. Review status: criteria provided, single submitter. Criteria: Invitae Variant Classification Sherloc (09022015). Collection method: clinical testing. Allele origin: germline.
Comment: This sequence change replaces alanine, which is neutral and non-polar, with threonine, which is neutral and polar, at codon 972 of the AP3D1 protein (p.Ala972Thr). This variant is present in population databases (rs750369269, gnomAD 0.01%). This variant has not been reported in the literature in individuals affected with AP3D1-related conditions. Algorithms developed to predict the effect of missense changes on protein structure and function output the following: SIFT: "Not Available"; PolyPhen-2: "Benign"; Align-GVGD: "Not Available". The threonine amino acid residue is found in multiple mammalian species, which suggests that this missense change does not adversely affect protein function. In summary, the available evidence is currently insufficient to determine the role of this variant in disease. Therefore, it has been classified as a Variant of Uncertain Significance.